The following is an entry in ClinVar:

NM_017617.5(NOTCH1):c.1487G>C (p.Ser496Thr)

Gene: NOTCH1 (notch receptor 1; minus strand). Cytogenetic location: 9q34.3.
Variant type: single nucleotide variant.
Coding change: c.1487G>C on transcript NM_017617.5 (MANE Select); coding-DNA position 1487, G replaced by C.
Protein change: p.Ser496Thr; replaces serine 496 with threonine.
Molecular consequence: missense variant.
Genome position (GRCh38, 1-based): chr9:136,517,340, C>G on the plus strand (G>C on the coding strand, the complement: NOTCH1 is on the minus strand). VCF-style: chr9-136517340-C-G. GRCh37 (hg19) VCF-style: chr9-139411792-C-G.
Other names: short protein forms S496T.
Identifiers: ClinVar variation 1414459 (VCV001414459.8), dbSNP rs2133367463, ClinGen allele CA375562403.

ClinVar aggregate classification (germline): Uncertain significance (1 of 4 stars; one submission).

Conditions:
Adams-Oliver syndrome 5 (AOS5). Identifiers: Orphanet 974, MedGen C4014970, MONDO:0014459, OMIM 616028.

Allele frequency attached by ClinVar (database versions not stated): gnomAD exomes below 0.00001.
gnomAD v4.1: 3 of 1,609,318 alleles (0.00019%); highest among the groups gnomAD compares: East Asian, 0.0067%; no homozygotes.

Submission:

Labcorp Genetics (formerly Invitae), Labcorp
Classification: Uncertain significance for Adams-Oliver syndrome 5. Last evaluated: 2022-02-05. Review status: criteria provided, single submitter. Criteria: Invitae Variant Classification Sherloc (09022015). Collection method: clinical testing. Allele origin: germline.
Comment: In summary, the available evidence is currently insufficient to determine the role of this variant in disease. Therefore, it has been classified as a Variant of Uncertain Significance. Advanced modeling of protein sequence and biophysical properties (such as structural, functional, and spatial information, amino acid conservation, physicochemical variation, residue mobility, and thermodynamic stability) performed at Invitae indicates that this missense variant is not expected to disrupt NOTCH1 protein function. This variant has not been reported in the literature in individuals affected with NOTCH1-related conditions. This variant is not present in population databases (gnomAD no frequency). This sequence change replaces serine, which is neutral and polar, with threonine, which is neutral and polar, at codon 496 of the NOTCH1 protein (p.Ser496Thr).